The following is an entry in ClinVar:

ClinVar aggregate classification (germline): Conflicting classifications of pathogenicity. Review status: criteria provided, conflicting classifications (1 of 4 stars). 2 submissions from 2 submitters: Likely pathogenic (1); Uncertain significance (1). Last evaluated 2024-05-28.

Submissions (2):

Labcorp Genetics (formerly Invitae), Labcorp
Classification: Uncertain significance. Last evaluated: 2024-05-28. Review status: criteria provided, single submitter. Criteria: Invitae Variant Classification Sherloc (09022015). Collection method: clinical testing. Allele origin: germline.
Comment: This sequence change replaces threonine, which is neutral and polar, with methionine, which is neutral and non-polar, at codon 88 of the DCX protein (p.Thr88Met). This variant is not present in population databases (gnomAD no frequency). This missense change has been observed in individual(s) with clinical features of autosomal dominant DCX-related conditions (Invitae). ClinVar contains an entry for this variant (Variation ID: 2430813). Advanced modeling of protein sequence and biophysical properties (such as structural, functional, and spatial information, amino acid conservation, physicochemical variation, residue mobility, and thermodynamic stability) performed at Invitae indicates that this missense variant is expected to disrupt DCX protein function with a positive predictive value of 80%. This variant disrupts the p.Thr88 amino acid residue in DCX. Other variant(s) that disrupt this residue have been observed in individuals with DCX-related conditions (PMID: 17111359), which suggests that this may be a clinically significant amino acid residue. In summary, the available evidence is currently insufficient to determine the role of this variant in disease. Therefore, it has been classified as a Variant of Uncertain Significance.

GeneDx
Classification: Likely pathogenic. Last evaluated: 2022-08-24. Review status: criteria provided, single submitter. Criteria: GeneDx Variant Classification Process June 2021. Collection method: clinical testing. Allele origin: germline. Affected: yes.
Comment: Not observed at significant frequency in large population cohorts (gnomAD); In silico analysis supports that this missense variant has a deleterious effect on protein structure/function; This variant is associated with the following publications: (PMID: 28924182, 29738522)

Literature cited by the submitters: PubMed 17111359 (cited by Labcorp Genetics (formerly Invitae), Labcorp).

NM_001195553.2(DCX):c.263C>T (p.Thr88Met)

Gene: DCX (doublecortin; minus strand). Cytogenetic location: Xq23.
Variant type: single nucleotide variant.
Coding change: c.263C>T on transcript NM_001195553.2 (MANE Select); coding-DNA position 263, C replaced by T.
Protein change: p.Thr88Met; replaces threonine 88 with methionine.
Molecular consequence: missense variant.
Genome position (GRCh38, 1-based): chrX:111,410,136, G>A on the plus strand (C>T on the coding strand, the complement: DCX is on the minus strand). VCF-style: chrX-111410136-G-A. GRCh37 (hg19) VCF-style: chrX-110653364-G-A.
Other names: c.506C>T, p.Thr169Met (NM_000555.3); c.263C>T, p.Thr88Met (NM_001369370.1, NM_001369371.1, NM_001369372.1 and 6 more transcripts); short protein forms T169M, T88M.
Identifiers: ClinVar variation 2430813 (VCV002430813.4), dbSNP rs2147276286, ClinGen allele CA414246762.
Genomic context (GRCh38, chrX:111,410,136, plus strand): 5'-TCAATGGTGTAAATGTAACGCACTCCCTGAGGCAGGTTGATGTTGTCAGACAGAGATCGC[G>A]TCAGGTCAGCCAGCAAGGCGTCAAAGCTGCGAAAACGGTCAGAGGACACAGCGTACACAA-3'
Protein context (NP_001182482.1, residues 78-98): RSFDALLADL[Thr88Met]RSLSDNINLP